The following is an entry in ClinVar:

ClinVar aggregate classification (germline): Benign (1 of 4 stars; one submission).

Conditions:
Familial adenomatous polyposis 1 (FAP1). Also called: POLYPOSIS, ADENOMATOUS INTESTINAL; FAMILIAL ADENOMATOUS POLYPOSIS 1, ATTENUATED. Identifiers: MedGen C2713442, MONDO:0021056, OMIM 175100. Disease mechanism: loss of function.

Submission:

Myriad Genetics, Inc.
Classification: Benign for Familial adenomatous polyposis 1. Last evaluated: 2024-03-08. Review status: criteria provided, single submitter. Criteria: Myriad Autosomal Dominant, Autosomal Recessive and X-Linked Classification Criteria (2023). Collection method: clinical testing. Allele origin: unknown.
Comment: This variant is considered benign. This variant is a silent/synonymous amino acid change and it is not expected to impact splicing.

NM_000038.6(APC):c.2082C>T (p.Asp694=)

Gene: APC (APC regulator of Wnt signaling pathway; plus strand). Cytogenetic location: 5q22.2.
Variant type: single nucleotide variant.
Coding change: c.2082C>T on transcript NM_000038.6 (MANE Select); coding-DNA position 2082, C replaced by T.
Protein change: p.Asp694=; no amino-acid change (aspartic acid 694 retained).
Molecular consequence: synonymous variant. On other transcripts: non-coding transcript variant (2).
Genome position (GRCh38, 1-based): chr5:112,837,676, C>T. VCF-style: chr5-112837676-C-T. GRCh37 (hg19) VCF-style: chr5-112173373-C-T.
Other names: c.1905C>T, p.Asp635= (NM_001407453.1, NM_001354901.2); c.1833C>T, p.Asp611= (NM_001407454.1, NM_001407455.1, NM_001407456.1 and 1 more transcripts); c.1779C>T, p.Asp593= (NM_001407460.1, NM_001407458.1, NM_001407459.1 and 1 more transcripts); c.1695C>T, p.Asp565= (NM_001407467.1, NM_001407469.1); c.2082C>T, p.Asp694= (NM_001127510.3, NM_001354895.2, NM_001407450.1); c.2028C>T, p.Asp676= (NM_001127511.3); c.2136C>T, p.Asp712= (NM_001354896.2, NM_001407447.1, NM_001407448.1 and 1 more transcripts); c.2112C>T, p.Asp704= (NM_001354897.2); and 11 more.
Identifiers: ClinVar variation 3148030 (VCV003148030.1), dbSNP rs2149860111, ClinGen allele CA445963389.